The following is an entry in ClinVar:

NM_001130144.3(LTBP3):c.3322T>C (p.Cys1108Arg)

Gene: LTBP3 (latent transforming growth factor beta binding protein 3; minus strand). Cytogenetic location: 11q13.1.
Variant type: single nucleotide variant.
Coding change: c.3322T>C on transcript NM_001130144.3 (MANE Select); coding-DNA position 3322, T replaced by C.
Protein change: p.Cys1108Arg; replaces cysteine 1108 with arginine.
Molecular consequence: missense variant. On other transcripts: intron variant (2).
Genome position (GRCh38, 1-based): chr11:65,540,076, A>G on the plus strand (T>C on the coding strand, the complement: LTBP3 is on the minus strand). VCF-style: chr11-65540076-A-G. GRCh37 (hg19) VCF-style: chr11-65307547-A-G.
Other names: c.2893+169T>C (NM_001164266.1); c.3244+169T>C (NM_021070.4); short protein forms C1108R.
Identifiers: ClinVar variation 2140305 (VCV002140305.4), dbSNP rs2496119309, ClinGen allele CA381267142.
Genomic context (GRCh38, chr11:65,540,076, plus strand): 5'-CCGGGCTCTCGGGGAGCTGGCAATCGCGGCCGGAGGGCCCGGGCACCCAGGGCGGGCGAC[A>G]CTCGCAGCGGTAGGAGCCCGGCAGGTTGACGCAGCGGCCAGGGCGGCAGGCTGCCGGGTC-3'
Protein context (NP_001123616.1, residues 1098-1118): VNLPGSYRCE[Cys1108Arg]RPPWVPGPSG

ClinVar aggregate classification (germline): Uncertain significance (1 of 4 stars; one submission).

Conditions:
Brachyolmia-amelogenesis imperfecta syndrome. Also called: Tooth agenesis, selective, 6; Dental anomalies and short stature; PLATYSPONDYLY WITH AMELOGENESIS IMPERFECTA. Identifiers: Orphanet 2899, MedGen C1832594, MONDO:0011018, OMIM 601216. Disease mechanism: loss of function.

gnomAD v4.1: 1 of 1,524,418 alleles (0.000066%); no homozygotes.

Submission:

Labcorp Genetics (formerly Invitae), Labcorp
Classification: Uncertain significance for Brachyolmia-amelogenesis imperfecta syndrome. Last evaluated: 2022-10-22. Review status: criteria provided, single submitter. Criteria: Invitae Variant Classification Sherloc (09022015). Collection method: clinical testing. Allele origin: germline.
Comment: This sequence change replaces cysteine, which is neutral and slightly polar, with arginine, which is basic and polar, at codon 1108 of the LTBP3 protein (p.Cys1108Arg). This variant is not present in population databases (gnomAD no frequency). This variant has not been reported in the literature in individuals affected with LTBP3-related conditions. Algorithms developed to predict the effect of missense changes on protein structure and function are either unavailable or do not agree on the potential impact of this missense change (SIFT: "Deleterious"; PolyPhen-2: "Possibly Damaging"; Align-GVGD: "Class C0"). In summary, the available evidence is currently insufficient to determine the role of this variant in disease. Therefore, it has been classified as a Variant of Uncertain Significance.